The following is an entry in ClinVar:

NM_175875.5(SIX5):c.972C>A (p.Asn324Lys)

Genes: SIX5 (SIX homeobox 5; minus strand), LOC107075317 (origin of replication in DMPK trinucleotide repeat region; plus strand). Cytogenetic location: 19q13.32.
Variant type: single nucleotide variant.
Coding change: c.972C>A on transcript NM_175875.5 (MANE Select); coding-DNA position 972, C replaced by A.
Protein change: p.Asn324Lys; replaces asparagine 324 with lysine.
Molecular consequence: missense variant.
Genome position (GRCh38, 1-based): chr19:45,766,987, G>T on the plus strand (C>A on the coding strand, the complement: SIX5 is on the minus strand). VCF-style: chr19-45766987-G-T. GRCh37 (hg19) VCF-style: chr19-46270245-G-T.
Other names: short protein forms N324K.
Identifiers: ClinVar variation 3666888 (VCV003666888.2).

ClinVar aggregate classification (germline): Uncertain significance (1 of 4 stars; one submission).

Submission:

Labcorp Genetics (formerly Invitae), Labcorp
Classification: Uncertain significance. Last evaluated: 2024-12-27. Review status: criteria provided, single submitter. Criteria: Invitae Variant Classification Sherloc (09022015). Collection method: clinical testing. Allele origin: germline.
Comment: This sequence change replaces asparagine, which is neutral and polar, with lysine, which is basic and polar, at codon 324 of the SIX5 protein (p.Asn324Lys). The frequency data for this variant in the population databases is considered unreliable, as metrics indicate poor data quality at this position in the gnomAD database. This variant has not been reported in the literature in individuals affected with SIX5-related conditions. Invitae Evidence Modeling of protein sequence and biophysical properties (such as structural, functional, and spatial information, amino acid conservation, physicochemical variation, residue mobility, and thermodynamic stability) indicates that this missense variant is expected to disrupt SIX5 protein function with a positive predictive value of 80%. In summary, the available evidence is currently insufficient to determine the role of this variant in disease. Therefore, it has been classified as a Variant of Uncertain Significance.